The following is an entry in ClinVar:

NM_003000.3(SDHB):c.770T>A (p.Leu257Gln)

Gene: SDHB (succinate dehydrogenase complex iron sulfur subunit B; minus strand). Cytogenetic location: 1p36.13.
Variant type: single nucleotide variant.
Coding change: c.770T>A on transcript NM_003000.3 (MANE Select); coding-DNA position 770, T replaced by A.
Protein change: p.Leu257Gln; replaces leucine 257 with glutamine.
Molecular consequence: missense variant.
Genome position (GRCh38, 1-based): chr1:17,018,954, A>T on the plus strand (T>A on the coding strand, the complement: SDHB is on the minus strand). VCF-style: chr1-17018954-A-T. GRCh37 (hg19) VCF-style: chr1-17345449-A-T.
Other names: short protein forms L257Q.
Identifiers: ClinVar variation 1413816 (VCV001413816.8), dbSNP rs1570942652, ClinGen allele CA338269067.

ClinVar aggregate classification (germline): Uncertain significance (1 of 4 stars; one submission).

Conditions:
Pheochromocytoma. Also called: MAX-Related Hereditary Paraganglioma-Pheochromocytoma Syndrome. Identifiers: Orphanet 29072, MedGen C0031511, MONDO:0008233, OMIM 171300, HP:0002666.
Pheochromocytoma/paraganglioma syndrome 4. Also called: CAROTID BODY TUMORS AND MULTIPLE EXTRAADRENAL PHEOCHROMOCYTOMAS; PARAGANGLIOMA, FAMILIAL MALIGNANT; PARAGANGLIOMAS, HEREDITARY EXTRAADRENAL; PHEOCHROMOCYTOMA, FAMILIAL EXTRAADRENAL; Paragangliomas 4; SDHB-Related Hereditary Paraganglioma-Pheochromocytoma Syndrome (Paragangliomas 4). Identifiers: Orphanet 29072, MedGen C1861848, MONDO:0007273, OMIM 115310.
Gastrointestinal stromal tumor. Also called: Gastrointestinal stroma tumor; Gastrointestinal stromal tumor, somatic. Identifiers: Orphanet 44890, MedGen C0238198, MeSH D046152, MONDO:0011719, OMIM 606764, HP:0100723.

Submission:

Labcorp Genetics (formerly Invitae), Labcorp
Classification: Uncertain significance for Gastrointestinal stromal tumor; Pheochromocytoma/paraganglioma syndrome 4; Pheochromocytoma. Last evaluated: 2021-03-11. Review status: criteria provided, single submitter. Criteria: Invitae Variant Classification Sherloc (09022015). Collection method: clinical testing. Allele origin: germline.
Comment: This sequence change replaces leucine with glutamine at codon 257 of the SDHB protein (p.Leu257Gln). The leucine residue is highly conserved and there is a moderate physicochemical difference between leucine and glutamine. In summary, the available evidence is currently insufficient to determine the role of this variant in disease. Therefore, it has been classified as a Variant of Uncertain Significance. Advanced modeling of protein sequence and biophysical properties (such as structural, functional, and spatial information, amino acid conservation, physicochemical variation, residue mobility, and thermodynamic stability) performed at Invitae indicates that this missense variant is expected to disrupt SDHB protein function. This variant has not been reported in the literature in individuals with SDHB-related conditions. This variant is not present in population databases (ExAC no frequency).